The following is an entry in ClinVar:

ClinVar aggregate classification (germline): Uncertain significance. Review status: criteria provided, multiple submitters, no conflicts (2 of 4 stars). 2 submissions from 2 submitters: Uncertain significance (2). Last evaluated 2025-08-28.

Allele frequency attached by ClinVar (database versions not stated): gnomAD 0.00014; ExAC 0.00003; TOPMed 0.00015; ESP Exome Variant Server 0.00008.
gnomAD v4.1: 44 of 1,611,504 alleles (0.0027%); highest among the groups gnomAD compares: African/African-American, 0.055%; no homozygotes.

Submissions (2):

Labcorp Genetics (formerly Invitae), Labcorp
Classification: Uncertain significance. Last evaluated: 2025-08-28. Review status: criteria provided, single submitter. Criteria: Invitae Variant Classification Sherloc (09022015). Collection method: clinical testing. Allele origin: germline.
Comment: This sequence change replaces proline, which is neutral and non-polar, with serine, which is neutral and polar, at codon 654 of the FBN3 protein (p.Pro654Ser). This variant is present in population databases (rs367930384, gnomAD 0.06%). This variant has not been reported in the literature in individuals affected with FBN3-related conditions. ClinVar contains an entry for this variant (Variation ID: 2890350). Invitae Evidence Modeling of protein sequence and biophysical properties (such as structural, functional, and spatial information, amino acid conservation, physicochemical variation, residue mobility, and thermodynamic stability) indicates that this missense variant is not expected to disrupt FBN3 protein function with a negative predictive value of 80%. In summary, the available evidence is currently insufficient to determine the role of this variant in disease. Therefore, it has been classified as a Variant of Uncertain Significance.

Ambry Genetics
Classification: Uncertain significance. Last evaluated: 2025-02-01. Review status: criteria provided, single submitter. Criteria: Ambry Variant Classification Scheme 2023. Collection method: clinical testing. Allele origin: germline.

NM_032447.5(FBN3):c.1960C>T (p.Pro654Ser)

Gene: FBN3 (fibrillin 3; minus strand). Cytogenetic location: 19p13.2.
Variant type: single nucleotide variant.
Coding change: c.1960C>T on transcript NM_032447.5 (MANE Select); coding-DNA position 1960, C replaced by T.
Protein change: p.Pro654Ser; replaces proline 654 with serine.
Molecular consequence: missense variant.
Genome position (GRCh38, 1-based): chr19:8,131,584, G>A on the plus strand (C>T on the coding strand, the complement: FBN3 is on the minus strand). VCF-style: chr19-8131584-G-A. GRCh37 (hg19) VCF-style: chr19-8196468-G-A.
Other names: c.1960C>T, p.Pro654Ser (NM_001321431.2); c.1960C>T (NM_032447.3); short protein forms P654S.
Identifiers: ClinVar variation 2890350 (VCV002890350.4), dbSNP rs367930384, ClinGen allele CA9153108.